The following is an entry in ClinVar:

NM_001018115.3(FANCD2):c.205+1G>A

Genes: FANCD2 (FA complementation group D2; plus strand), LOC107303338 (3p25 FANCD2 Alu-mediated recombination region; plus strand). Cytogenetic location: 3p25.3.
Variant type: single nucleotide variant.
Coding change: c.205+1G>A on transcript NM_001018115.3 (MANE Select); the canonical splice donor site of the intron after coding-DNA position 205, G replaced by A.
Molecular consequence: splice donor variant.
Genome position (GRCh38, 1-based): chr3:10,032,973, G>A. VCF-style: chr3-10032973-G-A. GRCh37 (hg19) VCF-style: chr3-10074657-G-A.
Other names: c.205+1G>A (NM_001319984.2, NM_001374253.1, NM_033084.6 and 2 more transcripts).
Identifiers: ClinVar variation 1486216 (VCV001486216.6), dbSNP rs2124970985, ClinGen allele CA351719119.

ClinVar aggregate classification (germline): Likely pathogenic (1 of 4 stars; one submission).

Conditions:
Fanconi anemia (FA). Also called: Fanconi's anemia. Identifiers: Orphanet 84, MedGen C0015625, MeSH D005199, MONDO:0019391.

Allele frequency attached by ClinVar (database versions not stated): gnomAD exomes below 0.00001.
gnomAD v4.1: 1 of 1,564,838 alleles (0.000064%); highest among the groups gnomAD compares: Non-Finnish European, 0.000088%; no homozygotes.

Submission:

Labcorp Genetics (formerly Invitae), Labcorp
Classification: Likely pathogenic for Fanconi anemia. Last evaluated: 2021-08-12. Review status: criteria provided, single submitter. Criteria: Invitae Variant Classification Sherloc (09022015). Collection method: clinical testing. Allele origin: germline.
Comment: This sequence change affects a donor splice site in intron 3 of the FANCD2 gene. It is expected to disrupt RNA splicing. Variants that disrupt the donor or acceptor splice site typically lead to a loss of protein function (PMID: 16199547), and loss-of-function variants in FANCD2 are known to be pathogenic (PMID: 17436244). This variant is not present in population databases (ExAC no frequency). This variant has not been reported in the literature in individuals affected with FANCD2-related conditions. Algorithms developed to predict the effect of sequence changes on RNA splicing suggest that this variant may disrupt the consensus splice site. In summary, the currently available evidence indicates that the variant is pathogenic, but additional data are needed to prove that conclusively. Therefore, this variant has been classified as Likely Pathogenic.

Literature cited by the submitters: PubMed 16199547; PubMed 17436244.